The following is an entry in ClinVar:

ClinVar aggregate classification (germline): Uncertain significance. Review status: criteria provided, multiple submitters, no conflicts (2 of 4 stars). 2 submissions from 2 submitters: Uncertain significance (2). Last evaluated 2026-06-02.

Conditions:
INPP5E-related disorder. Also called: INPP5E-related condition.
Joubert syndrome. Also called: JOUBERT-BOLTSHAUSER SYNDROME; Familial aplasia of the vermis. Identifiers: Orphanet 475, MedGen C5979921, MONDO:0018772.

Allele frequency attached by ClinVar (database versions not stated): gnomAD exomes 0.00001.
gnomAD v4.1: 10 of 1,591,760 alleles (0.00063%); highest among the groups gnomAD compares: Middle Eastern, 0.017%; no homozygotes.

Submissions (2):

PreventionGenetics, part of Exact Sciences
Classification: Uncertain significance for INPP5E-related condition. Last evaluated: 2026-06-02. Review status: criteria provided, single submitter. Criteria: ACMG Guidelines, 2015. Collection method: clinical testing. Allele origin: germline.
Comment: The INPP5E c.1117A>G variant is predicted to result in the amino acid substitution p.Met373Val. To our knowledge, this variant has not been reported in the literature or in a large population database (gnomAD), indicating this variant is rare. At this time, the clinical significance of this variant is uncertain due to the absence of conclusive functional and genetic evidence.

Labcorp Genetics (formerly Invitae), Labcorp
Classification: Uncertain significance for Joubert syndrome. Last evaluated: 2022-11-01. Review status: criteria provided, single submitter. Criteria: Invitae Variant Classification Sherloc (09022015). Collection method: clinical testing. Allele origin: germline.
Comment: This sequence change replaces methionine, which is neutral and non-polar, with valine, which is neutral and non-polar, at codon 373 of the INPP5E protein (p.Met373Val). This variant is not present in population databases (gnomAD no frequency). In summary, the available evidence is currently insufficient to determine the role of this variant in disease. Therefore, it has been classified as a Variant of Uncertain Significance. Advanced modeling of protein sequence and biophysical properties (such as structural, functional, and spatial information, amino acid conservation, physicochemical variation, residue mobility, and thermodynamic stability) performed at Invitae indicates that this missense variant is not expected to disrupt INPP5E protein function. This variant has not been reported in the literature in individuals affected with INPP5E-related conditions.

NM_019892.6(INPP5E):c.1117A>G (p.Met373Val)

Gene: INPP5E (inositol polyphosphate-5-phosphatase E; minus strand). Cytogenetic location: 9q34.3.
Variant type: single nucleotide variant.
Coding change: c.1117A>G on transcript NM_019892.6 (MANE Select); coding-DNA position 1117, A replaced by G.
Protein change: p.Met373Val; replaces methionine 373 with valine.
Molecular consequence: missense variant.
Genome position (GRCh38, 1-based): chr9:136,433,197, T>C on the plus strand (A>G on the coding strand, the complement: INPP5E is on the minus strand). VCF-style: chr9-136433197-T-C. GRCh37 (hg19) VCF-style: chr9-139327649-T-C.
Other names: c.1117A>G, p.Met373Val (NM_001318502.2); c.1117A>G (NM_019892.5); short protein forms M373V.
Identifiers: ClinVar variation 2161849 (VCV002161849.5), dbSNP rs753085035, ClinGen allele CA201643165.